The following is an entry in ClinVar:

ClinVar aggregate classification (germline): Uncertain significance (1 of 4 stars; one submission).

Conditions:
Cone-rod dystrophy 6 (CORD6). Also called: Cone dystrophy progressive; RETINAL CONE DYSTROPHY 2. Identifiers: Orphanet 1872, MedGen C1866293, MONDO:0011143, OMIM 601777.
Leber congenital amaurosis 1 (LCA1). Also called: Congenital absence of the rods and cones; Leber's congenital tapetoretinal degeneration; Leber's congenital tapetoretinal dysplasia; AMAUROSIS CONGENITA OF LEBER I; RETINAL BLINDNESS, CONGENITAL. Identifiers: Orphanet 65, MedGen C2931258, MONDO:0008764, OMIM 204000.

Allele frequency attached by ClinVar (database versions not stated): TOPMed below 0.00001; gnomAD 0.00001; gnomAD exomes 0.00001.
gnomAD v4.1: 4 of 1,538,900 alleles (0.00026%); highest among the groups gnomAD compares: Middle Eastern, 0.042%; no homozygotes.

Submission:

Labcorp Genetics (formerly Invitae), Labcorp
Classification: Uncertain significance for Leber congenital amaurosis 1; Cone-rod dystrophy 6. Last evaluated: 2024-05-31. Review status: criteria provided, single submitter. Criteria: Invitae Variant Classification Sherloc (09022015). Collection method: clinical testing. Allele origin: germline.
Comment: This sequence change replaces glycine, which is neutral and non-polar, with serine, which is neutral and polar, at codon 159 of the GUCY2D protein (p.Gly159Ser). This variant is not present in population databases (gnomAD no frequency). This variant has not been reported in the literature in individuals affected with GUCY2D-related conditions. ClinVar contains an entry for this variant (Variation ID: 1393014). Advanced modeling of protein sequence and biophysical properties (such as structural, functional, and spatial information, amino acid conservation, physicochemical variation, residue mobility, and thermodynamic stability) performed at Invitae indicates that this missense variant is not expected to disrupt GUCY2D protein function with a negative predictive value of 80%. In summary, the available evidence is currently insufficient to determine the role of this variant in disease. Therefore, it has been classified as a Variant of Uncertain Significance.

NM_000180.4(GUCY2D):c.475G>A (p.Gly159Ser)

Gene: GUCY2D (guanylate cyclase 2D, retinal; plus strand). Cytogenetic location: 17p13.1.
Variant type: single nucleotide variant.
Coding change: c.475G>A on transcript NM_000180.4 (MANE Select); coding-DNA position 475, G replaced by A.
Protein change: p.Gly159Ser; replaces glycine 159 with serine.
Molecular consequence: missense variant.
Genome position (GRCh38, 1-based): chr17:8,003,522, G>A. VCF-style: chr17-8003522-G-A. GRCh37 (hg19) VCF-style: chr17-7906840-G-A.
Other names: short protein forms G159S.
Identifiers: ClinVar variation 1393014 (VCV001393014.6), dbSNP rs1975674812, ClinGen allele CA397943804.
Genomic context (GRCh38, chr17:8,003,522, plus strand): 5'-CTCGCCGAAGAAGCCGGGATCGCGCTGGTGCCCTGGGGCTGCCCCTGGACGCAGGCGGAG[G>A]GCACCACGGCCCCTGCCGTGACCCCCGCCGCGGATGCCCTCTACGCCCTGCTTCGCGCAT-3'
Protein context (NP_000171.1, residues 149-169): PWGCPWTQAE[Gly159Ser]TTAPAVTPAA